The following is an entry in ClinVar:

NM_024753.5(TTC21B):c.223C>T (p.Leu75Phe)

Gene: TTC21B (tetratricopeptide repeat domain 21B; minus strand). Cytogenetic location: 2q24.3.
Variant type: single nucleotide variant.
Coding change: c.223C>T on transcript NM_024753.5 (MANE Select); coding-DNA position 223, C replaced by T.
Protein change: p.Leu75Phe; replaces leucine 75 with phenylalanine.
Molecular consequence: missense variant.
Genome position (GRCh38, 1-based): chr2:165,949,433, G>A on the plus strand (C>T on the coding strand, the complement: TTC21B is on the minus strand). VCF-style: chr2-165949433-G-A. GRCh37 (hg19) VCF-style: chr2-166805943-G-A.
Other names: short protein forms L75F.
Identifiers: ClinVar variation 2088604 (VCV002088604.4), dbSNP rs948283573, ClinGen allele CA59769127.
Genomic context (GRCh38, chr2:165,949,433, plus strand): 5'-CATTGCATTTAAATATCATACCTGGATTAGGACTCATTTTATGGGCATATATCAGTGCAA[G>A]TAGAGAACAAAGTGATACATCTTGTTTATTTTTAATAGCCTCAAATTCTCGAAGAGCTTC-3'
Protein context (NP_079029.3, residues 65-85): NKQDVSLCSL[Leu75Phe]ALIYAHKMSP

ClinVar aggregate classification (germline): Uncertain significance (1 of 4 stars; one submission).

Conditions:
Jeune thoracic dystrophy. Also called: Short-rib thoracic dysplasia; Jeune syndrome; Infantile thoracic dystrophy; Thoracic pelvic phalangeal dystrophy; Jeune's syndrome; Chondroectodermal dysplasia-like syndrome. Identifiers: Orphanet 474, MedGen C0265275, MONDO:0018770.
Nephronophthisis. Also called: Juvenile Nephronophthisis. Identifiers: Orphanet 655, MedGen C0687120, MONDO:0019005, HP:0000090.

Submission:

Labcorp Genetics (formerly Invitae), Labcorp
Classification: Uncertain significance for Jeune thoracic dystrophy; Nephronophthisis. Last evaluated: 2022-07-06. Review status: criteria provided, single submitter. Criteria: Invitae Variant Classification Sherloc (09022015). Collection method: clinical testing. Allele origin: germline.
Comment: In summary, the available evidence is currently insufficient to determine the role of this variant in disease. Therefore, it has been classified as a Variant of Uncertain Significance. Algorithms developed to predict the effect of missense changes on protein structure and function (SIFT, PolyPhen-2, Align-GVGD) all suggest that this variant is likely to be tolerated. This variant has not been reported in the literature in individuals affected with TTC21B-related conditions. This variant is not present in population databases (gnomAD no frequency). This sequence change replaces leucine, which is neutral and non-polar, with phenylalanine, which is neutral and non-polar, at codon 75 of the TTC21B protein (p.Leu75Phe).